The following is an entry in ClinVar:

ClinVar aggregate classification (germline): Likely benign. Review status: criteria provided, multiple submitters, no conflicts (2 of 4 stars). 2 submissions from 2 submitters: Likely benign (2). Last evaluated 2025-01-30.

Conditions:
Cutis laxa, X-linked (OHS). Also called: EDS IX; Occipital horn syndrome. Identifiers: Orphanet 198, MedGen C0268353, MONDO:0010572, OMIM 304150.
X-linked distal spinal muscular atrophy type 3. Also called: ATP7A-Related Distal Motor Neuropathy; NEURONOPATHY, DISTAL HEREDITARY MOTOR, X-LINKED; NEUROPATHY, DISTAL HEREDITARY MOTOR, X-LINKED; SPINAL MUSCULAR ATROPHY, DISTAL, X-LINKED RECESSIVE. Identifiers: Orphanet 139557, MedGen C1845359, MONDO:0010338, OMIM 300489.
Menkes kinky-hair syndrome (MNK). Also called: Classic Menkes Disease; Menkes Disease; Copper transport disease. Identifiers: Orphanet 565, MedGen C0022716, MONDO:0010651, OMIM 309400.

Allele frequency attached by ClinVar (database versions not stated): gnomAD exomes below 0.00001; ExAC 0.00001; TOPMed 0.00001.
gnomAD v4.1: 1 of 1,210,330 alleles (0.000083%); highest among the groups gnomAD compares: Non-Finnish European, 0.00011%; no homozygotes.

Submissions (2):

Labcorp Genetics (formerly Invitae), Labcorp
Classification: Likely benign for X-linked distal spinal muscular atrophy type 3; Cutis laxa, X-linked; Menkes kinky-hair syndrome. Last evaluated: 2025-01-30. Review status: criteria provided, single submitter. Criteria: Invitae Variant Classification Sherloc (09022015). Collection method: clinical testing. Allele origin: germline.

GeneDx
Classification: Likely benign. Last evaluated: 2018-05-01. Review status: criteria provided, single submitter. Criteria: GeneDx Variant Classification (06012015). Collection method: clinical testing. Allele origin: germline. Affected: yes.
Comment: This variant is considered likely benign or benign based on one or more of the following criteria: it is a conservative change, it occurs at a poorly conserved position in the protein, it is predicted to be benign by multiple in silico algorithms, and/or has population frequency not consistent with disease.

NM_000052.7(ATP7A):c.1251G>T (p.Gly417=)

Gene: ATP7A (ATPase copper transporting alpha; plus strand). Cytogenetic location: Xq21.1.
Variant type: single nucleotide variant.
Coding change: c.1251G>T on transcript NM_000052.7 (MANE Select); coding-DNA position 1251, G replaced by T.
Protein change: p.Gly417=; no amino-acid change (glycine 417 retained).
Molecular consequence: synonymous variant.
Genome position (GRCh38, 1-based): chrX:77,989,873, G>T. VCF-style: chrX-77989873-G-T. GRCh37 (hg19) VCF-style: chrX-77245369-G-T.
Other names: c.1251G>T, p.Gly417= (NM_001282224.2).
Identifiers: ClinVar variation 682470 (VCV000682470.8), dbSNP rs781846400, ClinGen allele CA10459010.